The following is an entry in ClinVar:

NM_052947.4(ALPK2):c.5818C>T (p.His1940Tyr)

Gene: ALPK2 (alpha kinase 2; minus strand). Cytogenetic location: 18q21.31.
Variant type: single nucleotide variant.
Coding change: c.5818C>T on transcript NM_052947.4 (MANE Select); coding-DNA position 5818, C replaced by T.
Protein change: p.His1940Tyr; replaces histidine 1940 with tyrosine.
Molecular consequence: missense variant.
Genome position (GRCh38, 1-based): chr18:58,517,030, G>A on the plus strand (C>T on the coding strand, the complement: ALPK2 is on the minus strand). VCF-style: chr18-58517030-G-A. GRCh37 (hg19) VCF-style: chr18-56184262-G-A.
Other names: short protein forms H1940Y.
Identifiers: ClinVar variation 1749873 (VCV001749873.2), dbSNP rs2518862813, ClinGen allele CA402548675.

ClinVar aggregate classification (germline): Uncertain significance (1 of 4 stars; one submission).

Submission:

Ambry Genetics
Classification: Uncertain significance. Last evaluated: 2021-06-13. Review status: criteria provided, single submitter. Criteria: Ambry Variant Classification Scheme 2023. Collection method: clinical testing. Allele origin: germline.
Comment: The p.H1940Y variant (also known as c.5818C>T), located in coding exon 8 of the ALPK2 gene, results from a C to T substitution at nucleotide position 5818. The histidine at codon 1940 is replaced by tyrosine, an amino acid with similar properties. This amino acid position is conserved. In addition, this alteration is predicted to be tolerated by in silico analysis. Since supporting evidence is limited at this time, the clinical significance of this alteration remains unclear.